The following is an entry in ClinVar:

ClinVar aggregate classification (germline): Uncertain significance (1 of 4 stars; one submission).

Submission:

GeneDx
Classification: Uncertain significance. Last evaluated: 2023-04-12. Review status: criteria provided, single submitter. Criteria: GeneDx Variant Classification Process June 2021. Collection method: clinical testing. Allele origin: germline. Affected: yes.
Comment: Not observed at significant frequency in large population cohorts (gnomAD); In silico analysis supports that this missense variant has a deleterious effect on protein structure/function; Has not been previously published as pathogenic or benign to our knowledge; Variants in candidate genes are classified as variants of uncertain significance in accordance with ACMG guidelines (Richards et al., 2015)

NM_001282874.2(SMARCA1):c.529T>C (p.Tyr177His)

Gene: SMARCA1 (SNF2 related chromatin remodeling ATPase 1; minus strand). Cytogenetic location: Xq26.1.
Variant type: single nucleotide variant.
Coding change: c.529T>C on transcript NM_001282874.2 (MANE Select); coding-DNA position 529, T replaced by C.
Protein change: p.Tyr177His; replaces tyrosine 177 with histidine.
Molecular consequence: missense variant.
Genome position (GRCh38, 1-based): chrX:129,515,894, A>G on the plus strand (T>C on the coding strand, the complement: SMARCA1 is on the minus strand). VCF-style: chrX-129515894-A-G. GRCh37 (hg19) VCF-style: chrX-128649871-A-G.
Other names: c.529T>C, p.Tyr177His (NM_001378264.1, NM_003069.5, NM_001378262.1 and 3 more transcripts); short protein forms Y177H.
Identifiers: ClinVar variation 3899517 (VCV003899517.1).